The following is an entry in ClinVar:

NM_201548.5(CERKL):c.1300G>T (p.Ala434Ser)

Gene: CERKL (CERK like autophagy regulator; minus strand). Cytogenetic location: 2q31.3.
Variant type: single nucleotide variant.
Coding change: c.1300G>T on transcript NM_201548.5 (MANE Select); coding-DNA position 1300, G replaced by T.
Protein change: p.Ala434Ser; replaces alanine 434 with serine.
Molecular consequence: missense variant. On other transcripts: non-coding transcript variant (2).
Genome position (GRCh38, 1-based): chr2:181,544,765, C>A on the plus strand (G>T on the coding strand, the complement: CERKL is on the minus strand). VCF-style: chr2-181544765-C-A. GRCh37 (hg19) VCF-style: chr2-182409492-C-A.
Other names: c.1378G>T, p.Ala460Ser (NM_001030311.3); c.961G>T, p.Ala321Ser (NM_001030312.3); c.1093G>T, p.Ala365Ser (NM_001030313.3); c.1246G>T, p.Ala416Ser (NM_001160277.2); short protein forms A365S, A416S, A434S, A321S, A460S.
Identifiers: ClinVar variation 1445667 (VCV001445667.6), dbSNP rs2105797294, ClinGen allele CA349734471.

ClinVar aggregate classification (germline): Uncertain significance. Review status: criteria provided, multiple submitters, no conflicts (2 of 4 stars). 2 submissions from 2 submitters: Uncertain significance (2). Last evaluated 2021-09-24.

Allele frequency attached by ClinVar (database versions not stated): gnomAD exomes below 0.00001.
gnomAD v4.1: 2 of 1,606,448 alleles (0.00012%); highest among the groups gnomAD compares: Non-Finnish European, 0.00017%; no homozygotes.

Submissions (2):

Labcorp Genetics (formerly Invitae), Labcorp
Classification: Uncertain significance. Last evaluated: 2021-09-24. Review status: criteria provided, single submitter. Criteria: Invitae Variant Classification Sherloc (09022015). Collection method: clinical testing. Allele origin: germline.
Comment: This sequence change replaces alanine with serine at codon 460 of the CERKL protein (p.Ala460Ser). The alanine residue is weakly conserved and there is a moderate physicochemical difference between alanine and serine. This variant is not present in population databases (ExAC no frequency). This variant has not been reported in the literature in individuals with CERKL-related conditions. Algorithms developed to predict the effect of missense changes on protein structure and function output the following: SIFT: "Tolerated"; PolyPhen-2: "Benign"; Align-GVGD: "Class C0". The serine amino acid residue is found in multiple mammalian species, suggesting that this missense change does not adversely affect protein function. These predictions have not been confirmed by published functional studies and their clinical significance is uncertain. In summary, the available evidence is currently insufficient to determine the role of this variant in disease. Therefore, it has been classified as a Variant of Uncertain Significance.

Blueprint Genetics
Classification: Uncertain significance. Last evaluated: 2021-06-10. Review status: criteria provided, single submitter. Criteria: ACMG Guidelines, 2015. Collection method: clinical testing. Allele origin: germline.